The following is an entry in ClinVar:

ClinVar aggregate classification (germline): Pathogenic/Likely pathogenic. Review status: criteria provided, multiple submitters, no conflicts (2 of 4 stars). 4 submissions from 4 submitters: Pathogenic (1); Likely pathogenic (3). Last evaluated 2025-02-10.

Conditions:
Mucopolysaccharidosis, MPS-III-A (MPS3A). Also called: Mucopolysaccharidosis, type IIIA; mucopolysaccharidosis type 3A; MPS IIIA (Sanfilippo Syndrome Type A); HEPARAN SULFATE SULFATASE DEFICIENCY; Mucopolysaccharidosis type IIIA (Sanfilippo A); SANFILIPPO SYNDROME A. Identifiers: Orphanet 581, Orphanet 79269, MedGen C0086647, MONDO:0009655, OMIM 252900.

Allele frequency attached by ClinVar (database versions not stated): gnomAD exomes below 0.00001; ExAC 0.00002; TOPMed 0.00001.

Submissions (4):

Labcorp Genetics (formerly Invitae), Labcorp
Classification: Pathogenic for Mucopolysaccharidosis, MPS-III-A. Last evaluated: 2025-02-10. Review status: criteria provided, single submitter. Criteria: Invitae Variant Classification Sherloc (09022015). Collection method: clinical testing. Allele origin: germline.
Comment: This sequence change affects a donor splice site in intron 4 of the SGSH gene. It is expected to disrupt RNA splicing. Variants that disrupt the donor or acceptor splice site typically lead to a loss of protein function (PMID: 16199547), and loss-of-function variants in SGSH are known to be pathogenic (PMID: 11182930, 21204211, 22976768). This variant is present in population databases (rs763063355, gnomAD 0.003%). Disruption of this splice site has been observed in individual(s) with mucopolysaccharidosis type IIIA (internal data). ClinVar contains an entry for this variant (Variation ID: 1365580). Algorithms developed to predict the effect of sequence changes on RNA splicing suggest that this variant may disrupt the consensus splice site. For these reasons, this variant has been classified as Pathogenic.

Natera, Inc.
Classification: Likely pathogenic for Mucopolysaccharidosis type IIIA. Last evaluated: 2024-10-09. Review status: criteria provided, single submitter. Criteria: Natera Variant Classification Schema (03/2026). Collection method: clinical testing. Allele origin: germline.
Comment: The c.506+1G>A variant in SGSH is a canonical splice donor site variant predicted to affect pre-mRNA splicing, which may result in an abnormal transcript and altered protein product. This variant is expected to result in nonsense mediated decay, truncation, or a dysfunctional protein product. This variant is rare in the general population with a frequency below the threshold expected for the associated phenotype(s). Given the available evidence, this variant is classified as Likely Pathogenic.

Baylor Genetics
Classification: Likely pathogenic for Mucopolysaccharidosis, MPS-III-A. Last evaluated: 2023-09-17. Review status: criteria provided, single submitter. Criteria: ACMG Guidelines, 2015. Collection method: clinical testing. Allele origin: unknown.

Fulgent Genetics
Classification: Likely pathogenic for Mucopolysaccharidosis, MPS-III-A. Last evaluated: 2022-02-04. Review status: criteria provided, single submitter. Criteria: ACMG Guidelines, 2015. Collection method: clinical testing. Allele origin: unknown.

Literature cited by the submitters: PubMed 16199547 (cited by Labcorp Genetics (formerly Invitae), Labcorp); PubMed 11182930 (cited by Labcorp Genetics (formerly Invitae), Labcorp); PubMed 21204211 (cited by Labcorp Genetics (formerly Invitae), Labcorp); PubMed 22976768 (cited by Labcorp Genetics (formerly Invitae), Labcorp).

NM_000199.5(SGSH):c.506+1G>A

Gene: SGSH (N-sulfoglucosamine sulfohydrolase; minus strand). Cytogenetic location: 17q25.3.
Variant type: single nucleotide variant.
Coding change: c.506+1G>A on transcript NM_000199.5 (MANE Select); the canonical splice donor site of the intron after coding-DNA position 506, G replaced by A.
Molecular consequence: splice donor variant.
Genome position (GRCh38, 1-based): chr17:80,214,614, C>T on the plus strand (G>A on the coding strand, the complement: SGSH is on the minus strand). VCF-style: chr17-80214614-C-T. GRCh37 (hg19) VCF-style: chr17-78188413-C-T.
Other names: c.506+1G>A (NM_001352921.3, NM_001352922.2, NM_000199.4).
Identifiers: ClinVar variation 1365580 (VCV001365580.11), dbSNP rs763063355, ClinGen allele CA8817999.